The following is an entry in ClinVar:

NM_000612.6(IGF2):c.191G>A (p.Arg64His)

Genes: IGF2 (insulin like growth factor 2; minus strand), INS-IGF2 (INS-IGF2 readthrough; minus strand). Cytogenetic location: 11p15.5.
Variant type: single nucleotide variant.
Coding change: c.191G>A on transcript NM_000612.6 (MANE Select); coding-DNA position 191, G replaced by A.
Protein change: p.Arg64His; replaces arginine 64 with histidine.
Molecular consequence: missense variant. On other transcripts: non-coding transcript variant (1).
Genome position (GRCh38, 1-based): chr11:2,133,632, C>T on the plus strand (G>A on the coding strand, the complement: IGF2 is on the minus strand). VCF-style: chr11-2133632-C-T. GRCh37 (hg19) VCF-style: chr11-2154862-C-T.
Other names: c.359G>A (NM_001127598.1); c.191G>A, p.Arg64His (NM_001007139.6, NM_001291861.3, NM_001291862.3); c.359G>A, p.Arg120His (NM_001127598.3); short protein forms R120H, R64H.
Identifiers: ClinVar variation 3681847 (VCV003681847.3).
Genomic context (GRCh38, chr11:2,133,632, plus strand): 5'-CAGTACGTCTCCAGGAGGGCCAGGTCACAGCTGCGGAAACAGCACTCCTCAACGATGCCA[C>T]GGCTGCGACGGCTCACACGGCTTGCGGGCCTGCCTGGAAGTCCCACAGCACAGAGAGAGC-3'
Protein context (NP_000603.1, residues 54-74): RPASRVSRRS[Arg64His]GIVEECCFRS

ClinVar aggregate classification (germline): Uncertain significance. Review status: criteria provided, multiple submitters, no conflicts (2 of 4 stars). 2 submissions from 2 submitters: Uncertain significance (2). Last evaluated 2025-04-24.

Conditions:
Inborn genetic diseases. Identifiers: MedGen C0950123, MeSH D030342.

gnomAD v4.1: 31 of 1,612,894 alleles (0.0019%); highest among the groups gnomAD compares: Middle Eastern, 0.016%; no homozygotes.

Submissions (2):

Ambry Genetics
Classification: Uncertain significance for Inborn genetic diseases. Last evaluated: 2025-04-24. Review status: criteria provided, single submitter. Criteria: Ambry Variant Classification Scheme 2023. Collection method: clinical testing. Allele origin: germline.

Labcorp Genetics (formerly Invitae), Labcorp
Classification: Uncertain significance. Last evaluated: 2024-12-24. Review status: criteria provided, single submitter. Criteria: Invitae Variant Classification Sherloc (09022015). Collection method: clinical testing. Allele origin: germline.
Comment: This sequence change replaces arginine, which is basic and polar, with histidine, which is basic and polar, at codon 64 of the IGF2 protein (p.Arg64His). The frequency data for this variant in the population databases is considered unreliable, as metrics indicate poor data quality at this position in the gnomAD database. This variant has not been reported in the literature in individuals affected with IGF2-related conditions. An algorithm developed to predict the effect of missense changes on protein structure and function (PolyPhen-2) suggests that this variant is likely to be disruptive. In summary, the available evidence is currently insufficient to determine the role of this variant in disease. Therefore, it has been classified as a Variant of Uncertain Significance.